The following is an entry in ClinVar:

NM_016373.4(WWOX):c.584A>C (p.Glu195Ala)

Gene: WWOX (WW domain containing oxidoreductase; plus strand). Cytogenetic location: 16q23.1.
Variant type: single nucleotide variant.
Coding change: c.584A>C on transcript NM_016373.4 (MANE Select); coding-DNA position 584, A replaced by C.
Protein change: p.Glu195Ala; replaces glutamic acid 195 with alanine.
Molecular consequence: missense variant.
Genome position (GRCh38, 1-based): chr16:78,386,927, A>C. VCF-style: chr16-78386927-A-C. GRCh37 (hg19) VCF-style: chr16-78420824-A-C.
Other names: c.245A>C, p.Glu82Ala (NM_001291997.2); short protein forms E195A, E82A.
Identifiers: ClinVar variation 1418442 (VCV001418442.6), dbSNP rs2151934166, ClinGen allele CA396843963.

ClinVar aggregate classification (germline): Uncertain significance (1 of 4 stars; one submission).

Conditions:
Autosomal recessive spinocerebellar ataxia 12. Also called: SPINOCEREBELLAR ATAXIA WITH MENTAL RETARDATION AND EPILEPSY. Identifiers: Orphanet 284282, MedGen C3280452, MONDO:0013687, OMIM 614322.
Developmental and epileptic encephalopathy, 1 (DEE1). Also called: INFANTILE SPASM SYNDROME, X-LINKED 1; X-linked infantile spasms; West's syndrome; Tonic spasms with clustering, arrest of psychomotor development and hypsarrhythmia on EEG; X-Linked Infantile Spasm Syndrome; OHTAHARA SYNDROME, X-LINKED. Identifiers: MedGen C3463992, MONDO:0010632, OMIM 308350. Disease mechanism: loss of function.

gnomAD v4.1: 4 of 1,614,120 alleles (0.00025%); highest among the groups gnomAD compares: Non-Finnish European, 0.00034%; no homozygotes.

Submission:

Labcorp Genetics (formerly Invitae), Labcorp
Classification: Uncertain significance for Developmental and epileptic encephalopathy, 1; Autosomal recessive spinocerebellar ataxia 12. Last evaluated: 2020-11-13. Review status: criteria provided, single submitter. Criteria: Invitae Variant Classification Sherloc (09022015). Collection method: clinical testing. Allele origin: germline.
Comment: This sequence change replaces glutamic acid with alanine at codon 195 of the WWOX protein (p.Glu195Ala). The glutamic acid residue is moderately conserved and there is a moderate physicochemical difference between glutamic acid and alanine. This variant has not been reported in the literature in individuals with WWOX-related conditions. This variant is not present in population databases (ExAC no frequency). Algorithms developed to predict the effect of missense changes on protein structure and function are either unavailable or do not agree on the potential impact of this missense change (SIFT: "Not Available"; PolyPhen-2: "Benign"; Align-GVGD: "Not Available"). In summary, the available evidence is currently insufficient to determine the role of this variant in disease. Therefore, it has been classified as a Variant of Uncertain Significance.